The following is an entry in ClinVar:

ClinVar aggregate classification (germline): Uncertain significance (1 of 4 stars; one submission).

gnomAD v4.1: 148 of 1,614,034 alleles (0.0092%); highest among the groups gnomAD compares: East Asian, 0.062%; no homozygotes.

Submission:

Labcorp Genetics (formerly Invitae), Labcorp
Classification: Uncertain significance. Last evaluated: 2026-02-01. Review status: criteria provided, single submitter. Criteria: Invitae Variant Classification Sherloc (09022015). Collection method: clinical testing. Allele origin: germline.
Comment: This sequence change replaces proline, which is neutral and non-polar, with leucine, which is neutral and non-polar, at codon 526 of the EIF2AK1 protein (p.Pro526Leu). This variant is present in population databases (rs201650496, gnomAD 0.2%), and has an allele count higher than expected for a pathogenic variant. This variant has not been reported in the literature in individuals affected with EIF2AK1-related conditions. An algorithm developed to predict the effect of missense changes on protein structure and function (PolyPhen-2) suggests that this variant is likely to be disruptive. In summary, the available evidence is currently insufficient to determine the role of this variant in disease. Therefore, it has been classified as a Variant of Uncertain Significance.

NM_014413.4(EIF2AK1):c.1577C>T (p.Pro526Leu)

Gene: EIF2AK1 (eukaryotic translation initiation factor 2 alpha kinase 1; minus strand). Cytogenetic location: 7p22.1.
Variant type: single nucleotide variant.
Coding change: c.1577C>T on transcript NM_014413.4 (MANE Select); coding-DNA position 1577, C replaced by T.
Protein change: p.Pro526Leu; replaces proline 526 with leucine.
Molecular consequence: missense variant.
Genome position (GRCh38, 1-based): chr7:6,026,915, G>A on the plus strand (C>T on the coding strand, the complement: EIF2AK1 is on the minus strand). VCF-style: chr7-6026915-G-A. GRCh37 (hg19) VCF-style: chr7-6066546-G-A.
Other names: c.1574C>T, p.Pro525Leu (NM_001134335.2); short protein forms P526L, P525L.
Identifiers: ClinVar variation 4747758 (VCV004747758.1).